The following is an entry in ClinVar:

NM_002335.4(LRP5):c.228C>T (p.Ala76=)

Gene: LRP5 (LDL receptor related protein 5; plus strand). Cytogenetic location: 11q13.2.
Variant type: single nucleotide variant.
Coding change: c.228C>T on transcript NM_002335.4 (MANE Select); coding-DNA position 228, C replaced by T.
Protein change: p.Ala76=; no amino-acid change (alanine 76 retained).
Molecular consequence: synonymous variant. On other transcripts: 5 prime UTR variant (1).
Genome position (GRCh38, 1-based): chr11:68,347,983, C>T. VCF-style: chr11-68347983-C-T. GRCh37 (hg19) VCF-style: chr11-68115451-C-T.
Other names: c.-1538C>T (NM_001291902.2); c.228C>T (NM_002335.3).
Identifiers: ClinVar variation 1082982 (VCV001082982.14), dbSNP rs564857130, ClinGen allele CA6148939.
Genomic context (GRCh38, chr11:68,347,983, plus strand): 5'-CATCGTGGTCAGCGGCCTGGAGGATGCGGCCGCAGTGGACTTCCAGTTTTCCAAGGGAGC[C>T]GTGTACTGGACAGACGTGAGCGAGGAGGCCATCAAGCAGACCTACCTGAACCAGACGGGG-3'
Protein context (NP_002326.2, residues 66-86): AAVDFQFSKG[Ala76=]VYWTDVSEEA

ClinVar aggregate classification (germline): Likely benign. Review status: criteria provided, multiple submitters, no conflicts (2 of 4 stars). 4 submissions from 4 submitters: Likely benign (3). 1 of the submissions does not count toward it. Last evaluated 2025-08-15.

Conditions:
LRP5-related disorder. Also called: LRP5-related condition.

Allele frequency attached by ClinVar (database versions not stated): gnomAD 0.00003 and 0.00006; TOPMed 0.00003; gnomAD exomes 0.00004; ExAC 0.00006; 1000 Genomes Project 30x 0.00016; 1000 Genomes Project 0.00020.
gnomAD v4.1: 64 of 1,614,156 alleles (0.004%); highest among the groups gnomAD compares: South Asian, 0.056%; no homozygotes.

Submissions (4):

Labcorp Genetics (formerly Invitae), Labcorp
Classification: Likely benign. Last evaluated: 2025-08-15. Review status: criteria provided, single submitter. Criteria: Invitae Variant Classification Sherloc (09022015). Collection method: clinical testing. Allele origin: germline.

Blueprint Genetics
Classification: Likely benign. Last evaluated: 2024-11-26. Review status: criteria provided, single submitter. Criteria: ACMG Guidelines, 2015. Collection method: clinical testing. Allele origin: germline.

GeneDx
Classification: Likely benign. Last evaluated: 2019-12-23. Review status: criteria provided, single submitter. Criteria: GeneDx Variant Classification Process June 2021. Collection method: clinical testing. Allele origin: germline. Affected: yes.

PreventionGenetics, part of Exact Sciences
Classification: Likely benign for LRP5-related condition. Last evaluated: 2019-07-02. Review status: no assertion criteria provided. Collection method: clinical testing. Allele origin: germline. Not counted in ClinVar's aggregate classification.
Comment: This variant is classified as likely benign based on ACMG/AMP sequence variant interpretation guidelines (Richards et al. 2015 PMID: 25741868, with internal and published modifications).